The following is an entry in ClinVar:

NM_002857.4(PEX19):c.575T>C (p.Leu192Pro)

Gene: PEX19 (peroxisomal biogenesis factor 19; minus strand). Cytogenetic location: 1q23.2.
Variant type: single nucleotide variant.
Coding change: c.575T>C on transcript NM_002857.4 (MANE Select); coding-DNA position 575, T replaced by C.
Protein change: p.Leu192Pro; replaces leucine 192 with proline.
Molecular consequence: missense variant. On other transcripts: non-coding transcript variant (2).
Genome position (GRCh38, 1-based): chr1:160,282,058, A>G on the plus strand (T>C on the coding strand, the complement: PEX19 is on the minus strand). VCF-style: chr1-160282058-A-G. GRCh37 (hg19) VCF-style: chr1-160251848-A-G.
Other names: c.575T>C, p.Leu192Pro (NM_001193644.1); short protein forms L192P.
Identifiers: ClinVar variation 2001124 (VCV002001124.4), dbSNP rs2525310936, ClinGen allele CA343259778.
Genomic context (GRCh38, chr1:160,282,058, plus strand): 5'-TGGAAAATGAAGAGAAAAAGCAGAAATGGAAGTTCACAAACCTTTTCTGTGATCTCCTTC[A>G]GTGATGGGTACAGCACATCCTTGGAGAGTAGGTTCTGCATAATACTCTGCATGATGGGGA-3'
Protein context (NP_002848.1, residues 182-202): LLSKDVLYPS[Leu192Pro]KEITEKYPEW

ClinVar aggregate classification (germline): Uncertain significance (1 of 4 stars; one submission).

Conditions:
Peroxisome biogenesis disorder 12A (Zellweger). Also called: Peroxisome biogenesis disorder 12A. Identifiers: Orphanet 912, MedGen C3554002, MONDO:0013951, OMIM 614886.

Submission:

Labcorp Genetics (formerly Invitae), Labcorp
Classification: Uncertain significance for Peroxisome biogenesis disorder 12A (Zellweger). Last evaluated: 2024-11-01. Review status: criteria provided, single submitter. Criteria: Invitae Variant Classification Sherloc (09022015). Collection method: clinical testing. Allele origin: germline.
Comment: This sequence change replaces leucine, which is neutral and non-polar, with proline, which is neutral and non-polar, at codon 192 of the PEX19 protein (p.Leu192Pro). This variant is not present in population databases (gnomAD no frequency). This variant has not been reported in the literature in individuals affected with PEX19-related conditions. ClinVar contains an entry for this variant (Variation ID: 2001124). Invitae Evidence Modeling of protein sequence and biophysical properties (such as structural, functional, and spatial information, amino acid conservation, physicochemical variation, residue mobility, and thermodynamic stability) indicates that this missense variant is expected to disrupt PEX19 protein function with a positive predictive value of 80%. In summary, the available evidence is currently insufficient to determine the role of this variant in disease. Therefore, it has been classified as a Variant of Uncertain Significance.